The following is an entry in ClinVar:

ClinVar aggregate classification (germline): Pathogenic (1 of 4 stars; one submission).

Submission:

Labcorp Genetics (formerly Invitae), Labcorp
Classification: Pathogenic. Last evaluated: 2023-12-20. Review status: criteria provided, single submitter. Criteria: Invitae Variant Classification Sherloc (09022015). Collection method: clinical testing. Allele origin: germline.
Comment: This sequence change creates a premature translational stop signal (p.Lys335*) in the ERCC8 gene. It is expected to result in an absent or disrupted protein product. Loss-of-function variants in ERCC8 are known to be pathogenic (PMID: 29572252). This variant is not present in population databases (gnomAD no frequency). This variant has not been reported in the literature in individuals affected with ERCC8-related conditions. Algorithms developed to predict the effect of sequence changes on RNA splicing suggest that this variant may disrupt the consensus splice site. For these reasons, this variant has been classified as Pathogenic.

Literature cited by the submitters: PubMed 29572252.

NM_000082.4(ERCC8):c.1003A>T (p.Lys335Ter)

Gene: ERCC8 (ERCC excision repair 8, CSA ubiquitin ligase complex subunit; minus strand). Cytogenetic location: 5q12.1.
Variant type: single nucleotide variant.
Coding change: c.1003A>T on transcript NM_000082.4 (MANE Select); coding-DNA position 1003, A replaced by T.
Protein change: p.Lys335Ter; replaces lysine 335 with a stop codon.
Molecular consequence: nonsense.
Genome position (GRCh38, 1-based): chr5:60,890,927, T>A on the plus strand (A>T on the coding strand, the complement: ERCC8 is on the minus strand). VCF-style: chr5-60890927-T-A. GRCh37 (hg19) VCF-style: chr5-60186754-T-A.
Other names: c.829A>T, p.Lys277Ter (NM_001007233.3); c.544A>T, p.Lys182Ter (NM_001290285.2); short protein forms K335*, K182*, K277*.
Identifiers: ClinVar variation 2704500 (VCV002704500.3), dbSNP rs2531770053, ClinGen allele CA359823088.